The following is an entry in ClinVar:

ClinVar aggregate classification (germline): Likely benign (1 of 4 stars; one submission).

gnomAD v4.1: 219 of 1,524,370 alleles (0.014%); highest among the groups gnomAD compares: Middle Eastern, 0.054%; no homozygotes.

Submission:

CeGaT Center for Human Genetics Tuebingen
Classification: Likely benign. Last evaluated: 2024-08-01. Review status: criteria provided, single submitter. Criteria: CeGaT Center For Human Genetics Tuebingen Variant Classification Criteria Version 2. Collection method: clinical testing. Allele origin: germline. Affected: yes. Observed: 1 variant allele.
Comment: SLC26A10P: BP4, BP7

NM_001478.5(B4GALNT1):c.*1008G>A

Gene: B4GALNT1 (beta-1,4-N-acetyl-galactosaminyltransferase 1; minus strand). Cytogenetic location: 12q13.3.
Variant type: single nucleotide variant.
Coding change: c.*1008G>A on transcript NM_001478.5 (MANE Select); 1008 bases downstream of the stop codon, G replaced by A.
Molecular consequence: 3 prime UTR variant. On other transcripts: non-coding transcript variant (2).
Genome position (GRCh38, 1-based): chr12:57,625,736, C>T on the plus strand (G>A on the coding strand, the complement: B4GALNT1 is on the minus strand). VCF-style: chr12-57625736-C-T. GRCh37 (hg19) VCF-style: chr12-58019519-C-T.
Other names: c.*1008G>A (NM_001276468.2, NM_001413967.1, NM_001413968.1 and 12 more transcripts).
Identifiers: ClinVar variation 3341588 (VCV003341588.16).